The following is an entry in ClinVar:

ClinVar aggregate classification (germline): Likely pathogenic (1 of 4 stars; one submission).

Submission:

Labcorp Genetics (formerly Invitae), Labcorp
Classification: Likely pathogenic. Last evaluated: 2021-07-06. Review status: criteria provided, single submitter. Criteria: Invitae Variant Classification Sherloc (09022015). Collection method: clinical testing. Allele origin: germline.
Comment: In summary, the currently available evidence indicates that the variant is pathogenic, but additional data are needed to prove that conclusively. Therefore, this variant has been classified as Likely Pathogenic. Algorithms developed to predict the effect of missense changes on protein structure and function are either unavailable or do not agree on the potential impact of this missense change (SIFT: "Deleterious"; PolyPhen-2: "Benign"; Align-GVGD: "Class C55"). This variant has been observed in individual(s) with clinical features of H3F3B-related conditions (Invitae). In at least one individual the variant was observed to be de novo. This variant is not present in population databases (ExAC no frequency). This sequence change replaces glycine with serine at codon 13 of the H3F3B protein (p.Gly13Ser). The glycine residue is highly conserved and there is a small physicochemical difference between glycine and serine.

NM_005324.5(H3-3B):c.37G>A (p.Gly13Ser)

Gene: H3-3B (H3.3 histone B; minus strand). Cytogenetic location: 17q25.1.
Variant type: single nucleotide variant.
Coding change: c.37G>A on transcript NM_005324.5 (MANE Select); coding-DNA position 37, G replaced by A.
Protein change: p.Gly13Ser; replaces glycine 13 with serine.
Molecular consequence: missense variant.
Genome position (GRCh38, 1-based): chr17:75,779,138, C>T on the plus strand (G>A on the coding strand, the complement: H3-3B is on the minus strand). VCF-style: chr17-75779138-C-T. GRCh37 (hg19) VCF-style: chr17-73775219-C-T.
Other names: short protein forms G13S.
Identifiers: ClinVar variation 1682569 (VCV001682569.8), dbSNP rs11547391, ClinGen allele CA294095739.